The following is an entry in ClinVar:

ClinVar aggregate classification (germline): Pathogenic. Review status: criteria provided, multiple submitters, no conflicts (2 of 4 stars). 3 submissions from 3 submitters: Pathogenic (3). Last evaluated 2025-10-14.

Conditions:
Inherited breast cancer and ovarian cancer.
Hereditary breast ovarian cancer syndrome. Also called: Hereditary breast and ovarian cancer syndrome; Hereditary breast and ovarian cancer syndrome (HBOC); Breast and ovarian cancer; Hereditary breast and/or ovarian cancer syndrome; Hereditary breast and ovarian cancer; BRCA1- and BRCA2-Associated Hereditary Breast and Ovarian Cancer. Identifiers: Orphanet 145, MedGen C0677776, MeSH D061325, MONDO:0003582. Disease mechanism: loss of function.

Submissions (3):

Cambridge Genomics Laboratory, East Genomic Laboratory Hub, NHS Genomic Medicine Service
Classification: Pathogenic for Inherited breast cancer and ovarian cancer. Last evaluated: 2025-10-14. Review status: criteria provided, single submitter. Criteria: ACGS Best Practice Guidelines for Variant Classification in Rare Disease 2020. Collection method: clinical testing. Allele origin: germline. Affected: yes.
Comment: PVS1,PM2,PM5_Strong

Labcorp Genetics (formerly Invitae), Labcorp
Classification: Pathogenic for Hereditary breast ovarian cancer syndrome. Last evaluated: 2024-05-28. Review status: criteria provided, single submitter. Criteria: Invitae Variant Classification Sherloc (09022015). Collection method: clinical testing. Allele origin: germline.
Comment: This sequence change creates a premature translational stop signal (p.Glu1013*) in the BRCA1 gene. It is expected to result in an absent or disrupted protein product. Loss-of-function variants in BRCA1 are known to be pathogenic (PMID: 20104584). This variant is not present in population databases (gnomAD no frequency). This premature translational stop signal has been observed in individual(s) with breast cancer (PMID: 32856869). ClinVar contains an entry for this variant (Variation ID: 986981). For these reasons, this variant has been classified as Pathogenic.

Institute of Medical Genetics and Applied Genomics, University Hospital Tübingen
Classification: Pathogenic. Last evaluated: 2020-10-23. Review status: criteria provided, single submitter. Criteria: ACMG Guidelines, 2015. Collection method: clinical testing. Allele origin: germline. Inheritance: Autosomal dominant inheritance. Affected: yes.

Literature cited by the submitters: PubMed 20104584 (cited by Labcorp Genetics (formerly Invitae), Labcorp); PubMed 32856869 (cited by Labcorp Genetics (formerly Invitae), Labcorp).

NM_007294.4(BRCA1):c.3037G>T (p.Glu1013Ter)

Gene: BRCA1 (BRCA1 DNA repair associated; minus strand). Cytogenetic location: 17q21.31.
Variant type: single nucleotide variant.
Coding change: c.3037G>T on transcript NM_007294.4 (MANE Select); coding-DNA position 3037, G replaced by T.
Protein change: p.Glu1013Ter; replaces glutamic acid 1013 with a stop codon.
Molecular consequence: nonsense. On other transcripts: intron variant (137).
Genome position (GRCh38, 1-based): chr17:43,092,494, C>A on the plus strand (G>T on the coding strand, the complement: BRCA1 is on the minus strand). VCF-style: chr17-43092494-C-A. GRCh37 (hg19) VCF-style: chr17-41244511-C-A.
Other names: c.2824G>T, p.Glu942Ter (NM_001407571.1, NM_001407853.1, NM_001407894.1 and 9 more transcripts); c.3037G>T, p.Glu1013Ter (NM_001407581.1, NM_001407582.1, NM_001407583.1 and 30 more transcripts); c.3034G>T, p.Glu1012Ter (NM_001407587.1, NM_001407590.1, NM_001407591.1 and 22 more transcripts); c.3028G>T, p.Glu1010Ter (NM_001407646.1, NM_001407647.1); c.2914G>T, p.Glu972Ter (NM_001407648.1, NM_001407664.1, NM_001407665.1 and 19 more transcripts); c.2911G>T, p.Glu971Ter (NM_001407649.1, NM_001407670.1, NM_001407671.1 and 11 more transcripts); c.2959G>T, p.Glu987Ter (NM_001407653.1, NM_001407654.1, NM_001407655.1 and 4 more transcripts); c.2956G>T, p.Glu986Ter (NM_001407659.1, NM_001407660.1, NM_001407661.1 and 1 more transcripts); and 41 more; short protein forms E1013*, E966*, E1012*, E885*, E942*, E971*, E1010*, E717*.
Identifiers: ClinVar variation 986981 (VCV000986981.6), dbSNP rs1555588500, ClinGen allele CA10595917.